The following is an entry in ClinVar:

NM_019616.4(F7):c.533T>G (p.Ile178Ser)

Gene: F7 (coagulation factor VII; plus strand). Cytogenetic location: 13q34.
Variant type: single nucleotide variant.
Coding change: c.533T>G on transcript NM_019616.4 (MANE Select); coding-DNA position 533, T replaced by G.
Protein change: p.Ile178Ser; replaces isoleucine 178 with serine.
Molecular consequence: missense variant. On other transcripts: non-coding transcript variant (1).
Genome position (GRCh38, 1-based): chr13:113,116,793, T>G. VCF-style: chr13-113116793-T-G. GRCh37 (hg19) VCF-style: chr13-113771107-T-G.
Other names: p.Ile200Ser; c.599T>G, p.Ile200Ser (NM_000131.5); c.347T>G, p.Ile116Ser (NM_001267554.2); short protein forms I116S, I178S, I200S.
Identifiers: ClinVar variation 1685780 (VCV001685780.12), dbSNP rs141219108, ClinGen allele CA7060006.

ClinVar aggregate classification (germline): Conflicting classifications of pathogenicity. Review status: criteria provided, conflicting classifications (1 of 4 stars). 6 submissions from 6 submitters: Uncertain significance (4); Benign (1). 1 of the submissions does not count toward it. Last evaluated 2025-12-16.

Conditions:
F7-related disorder. Also called: F7-related condition.
Congenital factor VII deficiency. Identifiers: Orphanet 327, MedGen C0272320, MONDO:0009211, OMIM 227500.

Allele frequency attached by ClinVar (database versions not stated): gnomAD exomes 0.00017 and 0.00043; ExAC 0.00049; 1000 Genomes Project 0.00060; 1000 Genomes Project 30x 0.00078; gnomAD 0.00186 and 0.00205; ESP Exome Variant Server 0.00208; TOPMed 0.00228.
gnomAD v4.1: 536 of 1,613,892 alleles (0.033%); highest among the groups gnomAD compares: African/African-American, 0.65%; 4 homozygotes.

Submissions (6):

Labcorp Genetics (formerly Invitae), Labcorp
Classification: Benign. Last evaluated: 2025-12-16. Review status: criteria provided, single submitter. Criteria: Invitae Variant Classification Sherloc (09022015). Collection method: clinical testing. Allele origin: germline.

Women's Health and Genetics/Laboratory Corporation of America, LabCorp
Classification: Uncertain significance. Last evaluated: 2025-07-09. Review status: criteria provided, single submitter. Criteria: LabCorp Variant Classification Summary - May 2015. Collection method: clinical testing. Allele origin: germline.
Comment: Variant summary: F7 c.599T>G (p.Ile200Ser) results in a non-conservative amino acid change in the encoded protein sequence. Algorithms developed to predict the effect of missense changes on protein structure and function are either unavailable or do not agree on the potential impact of this missense change. The variant allele was found at a frequency of 0.00043 in 251206 control chromosomes (gnomAD). This frequency is not significantly higher than estimated for a pathogenic variant in F7 causing Congenital factor VII deficiency, allowing no conclusion about variant significance. c.599T>G has been observed in heterozygous individuals affected with Congenital factor VII deficiency (e.g., Rodrigues_2003, Baz_2021). These reports do not provide unequivocal conclusions about association of the variant with Congenital factor VII deficiency. To our knowledge, no experimental evidence demonstrating an impact on protein function has been reported. The following publications have been ascertained in the context of this evaluation (PMID: 12695753, 34272389). ClinVar contains an entry for this variant (Variation ID: 1685780). Based on the evidence outlined above, the variant was classified as uncertain significance.

GeneDx
Classification: Uncertain significance. Last evaluated: 2025-06-16. Review status: criteria provided, single submitter. Criteria: GeneDx Variant Classification Process June 2021. Collection method: clinical testing. Allele origin: germline. Affected: yes.
Comment: In silico analysis suggests that this missense variant does not alter protein structure/function; Also known as p.(I140S); This variant is associated with the following publications: (PMID: 37647632, 34272389, 35552711, 12695753)

Mendelics
Classification: Uncertain significance for Congenital factor VII deficiency. Last evaluated: 2023-08-31. Review status: criteria provided, single submitter. Criteria: Mendelics Assertion Criteria 2019. Collection method: clinical testing. Allele origin: germline.

Mayo Clinic Laboratories, Mayo Clinic
Classification: Uncertain significance. Last evaluated: 2022-12-23. Review status: criteria provided, single submitter. Criteria: ACMG Guidelines, 2015. Collection method: clinical testing. Allele origin: germline. Observed: 3 variant alleles.
Comment: PM1_supporting, PS4_moderate

PreventionGenetics, part of Exact Sciences
Classification: Uncertain significance for F7-related condition. Last evaluated: 2024-06-07. Review status: no assertion criteria provided. Collection method: clinical testing. Allele origin: germline. Not counted in ClinVar's aggregate classification.
Comment: The F7 c.599T>G variant is predicted to result in the amino acid substitution p.Ile200Ser. This variant has been reported in cohorts of individuals with Factor VII deficiency / blood disorders (Reported as 8926G>T I140S, Rodrigues et al. 2003. PubMed ID: 12695753; Reported as c.347T>G p.Ile116Ser in Table S3, Baz et al. 2021. PubMed ID: 34272389; Pankratz et al. 2022. PubMed ID: 35552711). Also, this variant was shown to be significantly associated with an increased risk of venous thromboembolism (Pankratz et al. 2022. PubMed ID: 35552711). This variant is reported in 0.71% of alleles in individuals of African descent in gnomAD. Although we suspect that this variant may be benign, at this time, the clinical significance of this variant is uncertain due to the absence of conclusive functional and genetic evidence.

Literature cited by the submitters: PubMed 34272389 (cited by Women's Health and Genetics/Laboratory Corporation of America, LabCorp); PubMed 12695753 (cited by Women's Health and Genetics/Laboratory Corporation of America, LabCorp).